The following is an entry in ClinVar:

ClinVar aggregate classification (germline): Pathogenic (1 of 4 stars; one submission).

Submission:

Labcorp Genetics (formerly Invitae), Labcorp
Classification: Pathogenic. Last evaluated: 2023-12-09. Review status: criteria provided, single submitter. Criteria: Invitae Variant Classification Sherloc (09022015). Collection method: clinical testing. Allele origin: germline.
Comment: This sequence change creates a premature translational stop signal (p.Arg9Alafs*94) in the OCA2 gene. It is expected to result in an absent or disrupted protein product. Loss-of-function variants in OCA2 are known to be pathogenic (PMID: 19865097, 21541274). This variant is not present in population databases (gnomAD no frequency). This variant has not been reported in the literature in individuals affected with OCA2-related conditions. For these reasons, this variant has been classified as Pathogenic.

Literature cited by the submitters: PubMed 19865097; PubMed 21541274.

NM_000275.3(OCA2):c.22_23dup (p.Arg9fs)

Gene: OCA2 (OCA2 melanosomal transmembrane protein; minus strand). Cytogenetic location: 15q13.1.
Variant type: Duplication.
Coding change: c.22_23dup on transcript NM_000275.3 (MANE Select); coding-DNA positions 22 to 23, 2 bases duplicated (GG; older notation c.22_23dupGG).
Protein change: p.Arg9fs; shifts the reading frame from arginine 9.
Molecular consequence: frameshift variant.
Genome position (GRCh38, 1-based): chr15:28,081,852-28,081,853, CC duplicated on the plus strand (GG on the coding strand, the reverse complement: OCA2 is on the minus strand). VCF-style (leftmost placement, unchanged base first): chr15-28081851-G-GCC. GRCh37 (hg19) VCF-style: chr15-28326997-G-GCC.
Other names: c.22_23dup, p.Arg9fs (NM_001300984.2); short protein forms R9fs.
Identifiers: ClinVar variation 2701911 (VCV002701911.3), dbSNP rs2548672995, ClinGen allele CA2697554295.